The following is an entry in ClinVar:

NM_024426.6(WT1):c.440A>C (p.Gln147Pro)

Genes: WT1 (WT1 transcription factor; minus strand), LOC107982234 (WT1/WT1-AS bi-directional promoter region; plus strand). Cytogenetic location: 11p13.
Variant type: single nucleotide variant.
Coding change: c.440A>C on transcript NM_024426.6 (MANE Select); coding-DNA position 440, A replaced by C.
Protein change: p.Gln147Pro; replaces glutamine 147 with proline.
Molecular consequence: missense variant. On other transcripts: non-coding transcript variant (2).
Genome position (GRCh38, 1-based): chr11:32,434,921, T>G on the plus strand (A>C on the coding strand, the complement: WT1 is on the minus strand). VCF-style: chr11-32434921-T-G. GRCh37 (hg19) VCF-style: chr11-32456467-T-G.
Other names: c.440A>C, p.Gln147Pro (NM_000378.6, NM_001407044.1, NM_001407045.1 and 6 more transcripts); c.221A>C, p.Gln74Pro (NM_001429031.1, NM_001429032.1, NM_001429033.1 and 1 more transcripts); c.425A>C, p.Gln142Pro (NM_024425.2); short protein forms Q142P, Q147P, Q74P.
Identifiers: ClinVar variation 3074259 (VCV003074259.1), dbSNP rs764552529, ClinGen allele CA379965099.

ClinVar aggregate classification (germline): Uncertain significance (1 of 4 stars; one submission).

Conditions:
Wilms tumor 1 (WT1). Also called: Wilms tumor, somatic. Identifiers: Orphanet 654, MedGen CN033288, MONDO:0008679, OMIM 194070.

Submission:

All of Us Research Program, National Institutes of Health
Classification: Uncertain significance for Wilms tumor 1. Last evaluated: 2023-12-01. Review status: criteria provided, single submitter. Criteria: ACMG Guidelines, 2015. Collection method: clinical testing. Allele origin: germline. Inheritance: Autosomal dominant inheritance. Observed: 2 variant alleles, 2 heterozygotes.
Comment: This study involves interpretation of variants in research participants for the purpose of population health screening. Participant phenotype was not available at the time of variant classification. Additional details can be found in publication PMID: 35346344, PMCID: PMC8962531